The following is an entry in ClinVar:

ClinVar aggregate classification (germline): Uncertain significance. Review status: criteria provided, multiple submitters, no conflicts (2 of 4 stars). 2 submissions from 2 submitters: Uncertain significance (2). Last evaluated 2025-10-15.

Conditions:
Cardiovascular phenotype. Identifiers: MedGen CN230736.
Dilated cardiomyopathy 1JJ (CMD1JJ). Identifiers: Orphanet 154, MedGen C3808935, MONDO:0014095, OMIM 615235.

Allele frequency attached by ClinVar (database versions not stated): gnomAD 0.00002.
gnomAD v4.1: 7 of 1,614,038 alleles (0.00043%); highest among the groups gnomAD compares: African/African-American, 0.0067%; no homozygotes.

Submissions (2):

Ambry Genetics
Classification: Uncertain significance for Cardiovascular phenotype. Last evaluated: 2025-10-15. Review status: criteria provided, single submitter. Criteria: Ambry Variant Classification Scheme 2023. Collection method: clinical testing. Allele origin: germline.

Labcorp Genetics (formerly Invitae), Labcorp
Classification: Uncertain significance for Dilated cardiomyopathy 1JJ. Last evaluated: 2025-09-20. Review status: criteria provided, single submitter. Criteria: Invitae Variant Classification Sherloc (09022015). Collection method: clinical testing. Allele origin: germline.
Comment: This sequence change replaces alanine, which is neutral and non-polar, with proline, which is neutral and non-polar, at codon 749 of the LAMA4 protein (p.Ala749Pro). This variant is present in population databases (rs781858392, gnomAD 0.007%). This variant has not been reported in the literature in individuals affected with LAMA4-related conditions. ClinVar contains an entry for this variant (Variation ID: 1788337). Invitae Evidence Modeling of protein sequence and biophysical properties (such as structural, functional, and spatial information, amino acid conservation, physicochemical variation, residue mobility, and thermodynamic stability) indicates that this missense variant is not expected to disrupt LAMA4 protein function with a negative predictive value of 80%. In summary, the available evidence is currently insufficient to determine the role of this variant in disease. Therefore, it has been classified as a Variant of Uncertain Significance.

NM_001105206.3(LAMA4):c.2266G>C (p.Ala756Pro)

Gene: LAMA4 (laminin subunit alpha 4; minus strand). Cytogenetic location: 6q21.
Variant type: single nucleotide variant.
Coding change: c.2266G>C on transcript NM_001105206.3 (MANE Select); coding-DNA position 2266, G replaced by C.
Protein change: p.Ala756Pro; replaces alanine 756 with proline.
Molecular consequence: missense variant.
Genome position (GRCh38, 1-based): chr6:112,148,244, C>G on the plus strand (G>C on the coding strand, the complement: LAMA4 is on the minus strand). VCF-style: chr6-112148244-C-G. GRCh37 (hg19) VCF-style: chr6-112469446-C-G.
Other names: c.2245G>C, p.Ala749Pro (NM_001105207.3, NM_002290.5); short protein forms A756P, A749P.
Identifiers: ClinVar variation 1788337 (VCV001788337.8), dbSNP rs781858392, ClinGen allele CA3965522.